The following is an entry in ClinVar:

NM_000268.4(NF2):c.590G>A (p.Gly197Asp)

Gene: NF2 (NF2, moesin-ezrin-radixin like (MERLIN) tumor suppressor; plus strand). Cytogenetic location: 22q12.2.
Variant type: single nucleotide variant.
Coding change: c.590G>A on transcript NM_000268.4 (MANE Select); coding-DNA position 590, G replaced by A.
Protein change: p.Gly197Asp; replaces glycine 197 with aspartic acid.
Molecular consequence: missense variant. On other transcripts: non-coding transcript variant (1), intron variant (1).
Genome position (GRCh38, 1-based): chr22:29,655,667, G>A. VCF-style: chr22-29655667-G-A. GRCh37 (hg19) VCF-style: chr22-30051656-G-A.
Other names: c.476G>A, p.Gly159Asp (NM_001407053.1, NM_001407056.1); c.467G>A, p.Gly156Asp (NM_001407054.1, NM_001407058.1, NM_001407062.1 and 1 more transcripts); c.464G>A, p.Gly155Asp (NM_001407055.1, NM_181828.3); c.590G>A, p.Gly197Asp (NM_001407057.1, NM_001407059.1, NM_001407060.1 and 4 more transcripts); c.341G>A, p.Gly114Asp (NM_001407063.1, NM_001407064.1, NM_181830.3 and 1 more transcripts); c.56G>A, p.Gly19Asp (NM_001407065.1); c.359G>A, p.Gly120Asp (NM_001407067.1); c.447+13382G>A (NM_181833.3); short protein forms G155D, G159D, G197D, G19D, G120D, G114D, G156D.
Identifiers: ClinVar variation 1750444 (VCV001750444.2), dbSNP rs2066281867, ClinGen allele CA411142700.
Genomic context (GRCh38, chr22:29,655,667, plus strand): 5'-ATCAGATGACTCCGGAAATGTGGGAGGAGAGAATTACTGCTTGGTACGCAGAGCACCGAG[G>A]CCGAGCCAGGTGAGGCCCATTCATTGTTGGTTTACATTCCTTTATGGGCTTTTTTTTTTT-3'
Protein context (NP_000259.1, residues 187-207): RITAWYAEHR[Gly197Asp]RARDEAEMEY

ClinVar aggregate classification (germline): Uncertain significance (1 of 4 stars; one submission).

Conditions:
Hereditary cancer-predisposing syndrome. Also called: Hereditary Cancer Syndrome; Hereditary neoplastic syndrome; Neoplastic Syndromes, Hereditary; Tumor predisposition. Identifiers: Orphanet 140162, MedGen C0027672, MeSH D009386, MONDO:0015356.

Allele frequency attached by ClinVar (database versions not stated): TOPMed below 0.00001.

Submission:

Ambry Genetics
Classification: Uncertain significance for Hereditary cancer-predisposing syndrome. Last evaluated: 2022-01-31. Review status: criteria provided, single submitter. Criteria: Ambry Variant Classification Scheme 2023. Collection method: clinical testing. Allele origin: germline.
Comment: The p.G197D variant (also known as c.590G>A), located in coding exon 6 of the NF2 gene, results from a G to A substitution at nucleotide position 590. The glycine at codon 197 is replaced by aspartic acid, an amino acid with similar properties. This amino acid position is conserved. In addition, this alteration is predicted to be deleterious by in silico analysis. Since supporting evidence is limited at this time, the clinical significance of this alteration remains unclear.